The following is an entry in ClinVar:

ClinVar aggregate classification (germline): Uncertain significance (1 of 4 stars; one submission).

Conditions:
Hypertrophic cardiomyopathy. Also called: HYPERTROPHIC MYOCARDIOPATHY. Identifiers: Orphanet 217569, MedGen C0007194, MeSH D002312, MONDO:0005045, HP:0001639.

Submission:

Labcorp Genetics (formerly Invitae), Labcorp
Classification: Uncertain significance for Hypertrophic cardiomyopathy. Last evaluated: 2023-11-11. Review status: criteria provided, single submitter. Criteria: Invitae Variant Classification Sherloc (09022015). Collection method: clinical testing. Allele origin: germline.
Comment: This sequence change replaces valine, which is neutral and non-polar, with isoleucine, which is neutral and non-polar, at codon 273 of the MYH7 protein (p.Val273Ile). This variant is not present in population databases (gnomAD no frequency). This variant has not been reported in the literature in individuals affected with MYH7-related conditions. ClinVar contains an entry for this variant (Variation ID: 1352343). Advanced modeling of protein sequence and biophysical properties (such as structural, functional, and spatial information, amino acid conservation, physicochemical variation, residue mobility, and thermodynamic stability) performed at Invitae indicates that this missense variant is expected to disrupt MYH7 protein function with a positive predictive value of 95%. In summary, the available evidence is currently insufficient to determine the role of this variant in disease. Therefore, it has been classified as a Variant of Uncertain Significance.

NM_000257.4(MYH7):c.817G>A (p.Val273Ile)

Gene: MYH7 (myosin heavy chain 7; minus strand). Cytogenetic location: 14q11.2.
Variant type: single nucleotide variant.
Coding change: c.817G>A on transcript NM_000257.4 (MANE Select); coding-DNA position 817, G replaced by A.
Protein change: p.Val273Ile; replaces valine 273 with isoleucine.
Molecular consequence: missense variant.
Genome position (GRCh38, 1-based): chr14:23,430,979, C>T on the plus strand (G>A on the coding strand, the complement: MYH7 is on the minus strand). VCF-style: chr14-23430979-C-T. GRCh37 (hg19) VCF-style: chr14-23900188-C-T.
Other names: short protein forms V273I.
Identifiers: ClinVar variation 1352343 (VCV001352343.8), dbSNP rs1892911147, ClinGen allele CA389051979.